The following is an entry in ClinVar:

ClinVar aggregate classification (germline): Uncertain significance. Review status: criteria provided, multiple submitters, no conflicts (2 of 4 stars). 2 submissions from 2 submitters: Uncertain significance (2). Last evaluated 2026-05-27.

Conditions:
Inborn genetic diseases. Identifiers: MedGen C0950123, MeSH D030342.
PKD1-related disorder. Also called: PKD1-related condition.

gnomAD v4.1: 14 of 1,610,354 alleles (0.00087%); highest among the groups gnomAD compares: East Asian, 0.0045%; no homozygotes.

Submissions (2):

PreventionGenetics, part of Exact Sciences
Classification: Uncertain significance for PKD1-related condition. Last evaluated: 2026-05-27. Review status: criteria provided, single submitter. Criteria: ACMG Guidelines, 2015. Collection method: clinical testing. Allele origin: germline.
Comment: The PKD1 c.6796C>T variant is predicted to result in the amino acid substitution p.Arg2266Cys. To our knowledge, this variant has not been reported in the literature or in a large population database, indicating this variant is rare. At this time, the clinical significance of this variant is uncertain due to the absence of conclusive functional and genetic evidence.

Ambry Genetics
Classification: Uncertain significance for Inborn genetic diseases. Last evaluated: 2025-10-18. Review status: criteria provided, single submitter. Criteria: Ambry Variant Classification Scheme 2023. Collection method: clinical testing. Allele origin: germline.
Comment: The c.6796C>T (p.R2266C) alteration is located in exon 15 (coding exon 15) of the PKD1 gene. This alteration results from a C to T substitution at nucleotide position 6796, causing the arginine (R) at amino acid position 2266 to be replaced by a cysteine (C). Based on data from gnomAD, the T allele has an overall frequency of <0.001% (0/248438) total alleles studied. The highest observed frequency was <0.001% (/) of alleles. Based on insufficient or conflicting evidence, the clinical significance of this alteration remains unclear.

NM_001009944.3(PKD1):c.6796C>T (p.Arg2266Cys)

Gene: PKD1 (polycystin 1, transient receptor potential channel interacting; minus strand). Cytogenetic location: 16p13.3.
Variant type: single nucleotide variant.
Coding change: c.6796C>T on transcript NM_001009944.3 (MANE Select); coding-DNA position 6796, C replaced by T.
Protein change: p.Arg2266Cys; replaces arginine 2266 with cysteine.
Molecular consequence: missense variant.
Genome position (GRCh38, 1-based): chr16:2,108,371, G>A on the plus strand (C>T on the coding strand, the complement: PKD1 is on the minus strand). VCF-style: chr16-2108371-G-A. GRCh37 (hg19) VCF-style: chr16-2158372-G-A.
Other names: c.6796C>T, p.Arg2266Cys (NM_000296.4); short protein forms R2266C.
Identifiers: ClinVar variation 4627712 (VCV004627712.2).